The following is an entry in ClinVar:

ClinVar aggregate classification (germline): Pathogenic/Likely pathogenic. Review status: criteria provided, multiple submitters, no conflicts (2 of 4 stars). 11 submissions from 11 submitters: Pathogenic (7); Likely pathogenic (2). 2 of the submissions do not count toward it. Last evaluated 2026-07-01.

Conditions:
KMT2A-related disorder. Also called: KMT2A-related condition.
Inborn genetic diseases. Identifiers: MedGen C0950123, MeSH D030342.
Wiedemann-Steiner syndrome (WDSTS). Also called: Growth deficiency and mental retardation with facial dysmorphism. Identifiers: Orphanet 319182, MedGen C1854630, MONDO:0011518, OMIM 605130.

Submissions (11):

Ambry Genetics
Classification: Pathogenic for Inborn genetic diseases. Last evaluated: 2026-07-01. Review status: criteria provided, single submitter. Criteria: Ambry Variant Classification Scheme 2023. Collection method: clinical testing. Allele origin: germline.
Comment: The c.3460C>T (p.R1154W) alteration is located in exon 5 (coding exon 5) of the KMT2A gene. This alteration results from a C to T substitution at nucleotide position 3460, causing the arginine (R) at amino acid position 1154 to be replaced by a tryptophan (W). This variant was not reported in population-based cohorts in the Genome Aggregation Database (gnomAD). This variant was determined to be de novo in at least one individual with features consistent with Wiedemann-Steiner syndrome (Baer, 2018; Giangiobbe, 2020; Fang, 2024; Manav Yiit, 2026). Other variant(s) at the same codon, c.3461G>A (p.R1154Q) have been identified in individual(s) with features consistent with Wiedemann-Steiner syndrome (Kahrizi, 2019; Ambry internal data). This amino acid position is highly conserved in available vertebrate species. This missense variant is located in a region that has a low rate of benign missense variation (Lek, 2016; Firth, 2009). This alteration is predicted to be deleterious by in silico analysis. Based on the available evidence, this alteration is classified as pathogenic.

Variantyx, Inc.
Classification: Pathogenic for Wiedemann-Steiner syndrome. Last evaluated: 2025-09-11. Review status: criteria provided, single submitter. Criteria: Variantyx Assertion Criteria 2022. Collection method: clinical testing. Allele origin: de novo. Inheritance: Autosomal dominant inheritance. Affected: yes.
Comment: This is a nonsynonymous variant in the KMT2A gene (OMIM: 159555). Pathogenic variants in this gene have been associated with autosomal dominant Wiedemann-Steiner syndrome. This variant likely occurred de novo in individualsc reported in the published literature; however, the possibility of parental germline mosaicism cannot be excluded (PMID: 33043602, 35982159, 38933926) (PS2). It has been reported in several affected individual(s) (PMID: 29574747) (PS4), while it is absent from control populations (PM2). Functional studies have shown that this variant alters KMT2A protein function (PMID: 29203834) (PS3_Moderate) and multiple computational algorithms predict a deleterious effect for this variant (REVEL score: 0.772) (PP3) Moreover, the alteration lies within a known hotspot for pathogenic variants or a well-established critical functional domain of the KMT2A protein (PMID: 29203834) (PM1). Based on the current evidence, this variant is classified as pathogenic for autosomal dominant Wiedemann-Steiner syndrome.

3billion
Classification: Pathogenic for Wiedemann-Steiner syndrome. Last evaluated: 2025-05-28. Review status: criteria provided, single submitter. Criteria: ACMG Guidelines, 2015. Collection method: clinical testing. Allele origin: germline. Affected: yes.
Comment: The variant is not observed in the gnomAD v4.1.0 dataset. Predicted Consequence/Location: Missense variant Functional studies provide strong evidence of the variant having a damaging effect on the gene or gene product (PMID: 29203834). In silico tool predictions suggest damaging effect of the variant on gene or gene product [REVEL: 0.77 (>=0.6, sensitivity 0.68 and specificity 0.92); 3Cnet: 0.99 (> 0.75, sensitivity 0.96 and precision 0.92)]. The same nucleotide change resulting in the same amino acid change has been previously reported as pathogenic/likely pathogenic with strong evidence (ClinVar ID: VCV000431895 /PMID: 29203834 /3billion dataset). The variant has been previously reported as de novo in a similarly affected individual (PMID: 29203834). A different missense change at the same codon (p.Arg1154Gln) has been reported as pathogenic/likely pathogenic with strong evidence (ClinVar ID: VCV000430144 /PMID: 30315573). Therefore, this variant is classified as Pathogenic according to the recommendation of ACMG/AMP guideline.

Labcorp Genetics (formerly Invitae), Labcorp
Classification: Pathogenic. Last evaluated: 2024-01-02. Review status: criteria provided, single submitter. Criteria: Invitae Variant Classification Sherloc (09022015). Collection method: clinical testing. Allele origin: germline.
Comment: This sequence change replaces arginine, which is basic and polar, with tryptophan, which is neutral and slightly polar, at codon 1154 of the KMT2A protein (p.Arg1154Trp). This variant is not present in population databases (gnomAD no frequency). This missense change has been observed in individual(s) with Wiedemann-Steiner syndrome (PMID: 29574747, 33043602). In at least one individual the variant was observed to be de novo. ClinVar contains an entry for this variant (Variation ID: 431895). Advanced modeling of protein sequence and biophysical properties (such as structural, functional, and spatial information, amino acid conservation, physicochemical variation, residue mobility, and thermodynamic stability) performed at Invitae indicates that this missense variant is expected to disrupt KMT2A protein function with a positive predictive value of 95%. Experimental studies have shown that this missense change affects KMT2A function (PMID: 29203834). For these reasons, this variant has been classified as Pathogenic.

Daryl Scott Lab, Baylor College of Medicine
Classification: Likely pathogenic for Wiedemann-Steiner syndrome. Last evaluated: 2023-11-10. Review status: criteria provided, single submitter. Criteria: ACMG Guidelines, 2015. Collection method: clinical testing. Allele origin: de novo. Affected: yes.

Blueprint Genetics
Classification: Pathogenic for KMT2A-related disorders. Last evaluated: 2022-11-18. Review status: criteria provided, single submitter. Criteria: ACMG Guidelines, 2015. Collection method: clinical testing. Allele origin: germline. Affected: yes. Observed: 2 variant alleles.

Laboratorio de Genetica e Diagnostico Molecular, Hospital Israelita Albert Einstein
Classification: Likely pathogenic for Wiedemann-Steiner syndrome. Last evaluated: 2022-07-29. Review status: criteria provided, single submitter. Criteria: ACMG Guidelines, 2015. Collection method: clinical testing. Allele origin: germline. Affected: yes. Observed: 1 variant allele.
Comment: ACMG classification criteria: PS3 supporting, PS4 moderated, PM2 moderated, PM6 moderated, PP1 supporting, PP3 supporting

GeneDx
Classification: Pathogenic. Last evaluated: 2021-12-30. Review status: criteria provided, single submitter. Criteria: GeneDx Variant Classification Process June 2021. Collection method: clinical testing. Allele origin: germline. Affected: yes.
Comment: Not observed at significant frequency in large population cohorts (gnomAD); In silico analysis supports that this missense variant has a deleterious effect on protein structure/function; This variant is associated with the following publications: (PMID: 30014449, 29203834, 29574747, 31044088, 30315573, 33043602, 33783954, 34469078)

Genomic Medicine Lab, University of California San Francisco
Classification: Pathogenic for Wiedemann-Steiner syndrome. Last evaluated: 2019-01-10. Review status: criteria provided, single submitter. Criteria: ACMG Guidelines, 2015. Collection method: clinical testing. Allele origin: de novo. Inheritance: Autosomal dominant inheritance. Affected: yes. Study: CSER.

Department of Pediatrics, Taizhou Central Hospital, Taizhou University Hospital
Classification: Pathogenic for Wiedemann-Steiner syndrome. Last evaluated: 2024-02-01. Review status: no assertion criteria provided. Collection method: clinical testing. Allele origin: de novo. Affected: yes. Observed: 1 variant allele. Not counted in ClinVar's aggregate classification.

Molecular Genetics laboratory, Necker Hospital
Classification: Likely pathogenic. Last evaluated: 2018-04-26. Review status: no assertion criteria provided. Collection method: clinical testing. Allele origin: de novo. Affected: yes. Not counted in ClinVar's aggregate classification.

Literature cited by the submitters: PubMed 29574747 (cited by 3 submitters); PubMed 30315573 (cited by Ambry Genetics and 3billion); PubMed 33043602 (cited by 3 submitters); PubMed 38933926 (cited by Ambry Genetics and Variantyx, Inc.); PubMed 41320952 (cited by Ambry Genetics); PubMed 29203834 (cited by 3 submitters); PubMed 35982159 (cited by Variantyx, Inc.).

NM_001197104.2(KMT2A):c.3460C>T (p.Arg1154Trp)

Gene: KMT2A (lysine methyltransferase 2A; plus strand). Cytogenetic location: 11q23.3.
Variant type: single nucleotide variant.
Coding change: c.3460C>T on transcript NM_001197104.2 (MANE Select); coding-DNA position 3460, C replaced by T.
Protein change: p.Arg1154Trp; replaces arginine 1154 with tryptophan.
Molecular consequence: missense variant.
Genome position (GRCh38, 1-based): chr11:118,478,092, C>T. VCF-style: chr11-118478092-C-T. GRCh37 (hg19) VCF-style: chr11-118348807-C-T.
Other names: c.3460C>T, p.Arg1154Trp (NM_005933.4); short protein forms R1154W.
Identifiers: ClinVar variation 431895 (VCV000431895.16), dbSNP rs1555038090, ClinGen allele CA382824774.
Genomic context (GRCh38, chr11:118,478,092, plus strand): 5'-CCTGTCACTAGAAACAAGGCACCCCAGGAACCTCCAGTAAAGAAAGGACGTCGATCGAGG[C>T]GGTGTGGGCAGTGTCCCGGCTGCCAGGTGCCTGAGGACTGTGGTGTTTGTACTAATTGCT-3'
Protein context (NP_001184033.1, residues 1144-1164): PPVKKGRRSR[Arg1154Trp]CGQCPGCQVP